The following is an entry in ClinVar:

ClinVar aggregate classification (germline): Uncertain significance. Review status: criteria provided, multiple submitters, no conflicts (2 of 4 stars). 5 submissions from 5 submitters: Uncertain significance (5). Last evaluated 2026-01-18.

Conditions:
Hereditary cancer-predisposing syndrome. Also called: Hereditary neoplastic syndrome; Hereditary Cancer Syndrome; Neoplastic Syndromes, Hereditary; Tumor predisposition. Identifiers: Orphanet 140162, MedGen C0027672, MeSH D009386, MONDO:0015356.
Familial adenomatous polyposis 1 (FAP1). Also called: FAMILIAL ADENOMATOUS POLYPOSIS 1, ATTENUATED; POLYPOSIS, ADENOMATOUS INTESTINAL. Identifiers: MedGen C2713442, MONDO:0021056, OMIM 175100. Disease mechanism: loss of function.

gnomAD v4.1: 2 of 1,613,578 alleles (0.00012%); highest among the groups gnomAD compares: Non-Finnish European, 0.00017%; no homozygotes.

Submissions (5):

Labcorp Genetics (formerly Invitae), Labcorp
Classification: Uncertain significance for Familial adenomatous polyposis 1. Last evaluated: 2026-01-18. Review status: criteria provided, single submitter. Criteria: Invitae Variant Classification Sherloc (09022015). Collection method: clinical testing. Allele origin: germline.
Comment: This sequence change replaces threonine, which is neutral and polar, with isoleucine, which is neutral and non-polar, at codon 1783 of the APC protein (p.Thr1783Ile). This variant is not present in population databases (gnomAD no frequency). This variant has not been reported in the literature in individuals affected with APC-related conditions. ClinVar contains an entry for this variant (Variation ID: 236619). Invitae Evidence Modeling of protein sequence and biophysical properties (such as structural, functional, and spatial information, amino acid conservation, physicochemical variation, residue mobility, and thermodynamic stability) indicates that this missense variant is not expected to disrupt APC protein function with a negative predictive value of 95%. In summary, the available evidence is currently insufficient to determine the role of this variant in disease. Therefore, it has been classified as a Variant of Uncertain Significance.

Ambry Genetics
Classification: Uncertain significance for Hereditary cancer-predisposing syndrome. Last evaluated: 2025-06-17. Review status: criteria provided, single submitter. Criteria: Ambry Variant Classification Scheme 2023. Collection method: clinical testing. Allele origin: germline.
Comment: The p.T1783I variant (also known as c.5348C>T), located in coding exon 15 of the APC gene, results from a C to T substitution at nucleotide position 5348. The threonine at codon 1783 is replaced by isoleucine, an amino acid with similar properties. This amino acid position is poorly conserved in available vertebrate species. In addition, in silico predictors for this gene do not accurately predict pathogenicity. Missense alterations in APC are not a common cause of disease (Spier I et al. Genet Med. 2024 Feb;26(2):100992). Based on the available evidence, the clinical significance of this variant remains unclear.

Color Diagnostics, LLC DBA Color Health
Classification: Uncertain significance for Hereditary cancer-predisposing syndrome. Last evaluated: 2025-06-17. Review status: criteria provided, single submitter. Criteria: ACMG Guidelines, 2015. Collection method: clinical testing. Allele origin: germline.
Comment: This missense variant replaces threonine with isoleucine at codon 1783 of the APC protein. Computational prediction suggests that this variant may not impact protein structure and function. To our knowledge, functional studies have not been reported for this variant. This variant has not been reported in individuals affected with APC-related disorders in the literature. This variant has not been identified in the general population by the Genome Aggregation Database (gnomAD). The available evidence is insufficient to determine the role of this variant in disease conclusively. Therefore, this variant is classified as a Variant of Uncertain Significance.

Baylor Genetics
Classification: Uncertain significance for Familial adenomatous polyposis 1. Last evaluated: 2023-11-17. Review status: criteria provided, single submitter. Criteria: ACMG Guidelines, 2015. Collection method: clinical testing. Allele origin: unknown.

Women's Health and Genetics/Laboratory Corporation of America, LabCorp
Classification: Uncertain significance. Last evaluated: 2022-02-09. Review status: criteria provided, single submitter. Criteria: LabCorp Variant Classification Summary - May 2015. Collection method: clinical testing. Allele origin: germline.

NM_000038.6(APC):c.5348C>T (p.Thr1783Ile)

Gene: APC (APC regulator of Wnt signaling pathway; plus strand). Cytogenetic location: 5q22.2.
Variant type: single nucleotide variant.
Coding change: c.5348C>T on transcript NM_000038.6 (MANE Select); coding-DNA position 5348, C replaced by T.
Protein change: p.Thr1783Ile; replaces threonine 1783 with isoleucine.
Molecular consequence: missense variant.
Genome position (GRCh38, 1-based): chr5:112,840,942, C>T. VCF-style: chr5-112840942-C-T. GRCh37 (hg19) VCF-style: chr5-112176639-C-T.
Other names: c.5348C>T, p.Thr1783Ile (NM_001127510.3, NM_001354895.2); c.5294C>T, p.Thr1765Ile (NM_001127511.3); c.5402C>T, p.Thr1801Ile (NM_001354896.2); c.5378C>T, p.Thr1793Ile (NM_001354897.2); c.5273C>T, p.Thr1758Ile (NM_001354898.2); c.5264C>T, p.Thr1755Ile (NM_001354899.2); c.5225C>T, p.Thr1742Ile (NM_001354900.2); c.5171C>T, p.Thr1724Ile (NM_001354901.2); and 5 more; short protein forms T1765I, T1783I, T1758I, T1801I, T1500I, T1793I, T1623I, T1682I.
Identifiers: ClinVar variation 236619 (VCV000236619.16), dbSNP rs878853456, ClinGen allele CA10582325.